The following is an entry in ClinVar:

NM_021871.4(FGA):c.780G>A (p.Glu260=)

Gene: FGA (fibrinogen alpha chain; minus strand). Cytogenetic location: 4q31.3.
Variant type: single nucleotide variant.
Coding change: c.780G>A on transcript NM_021871.4 (MANE Select); coding-DNA position 780, G replaced by A.
Protein change: p.Glu260=; no amino-acid change (glutamic acid 260 retained).
Molecular consequence: synonymous variant.
Genome position (GRCh38, 1-based): chr4:154,586,649, C>T on the plus strand (G>A on the coding strand, the complement: FGA is on the minus strand). VCF-style: chr4-154586649-C-T. GRCh37 (hg19) VCF-style: chr4-155507801-C-T.
Other names: c.780G>A (NM_000508.4); c.780G>A, p.Glu260= (NM_000508.5).
Identifiers: ClinVar variation 708395 (VCV000708395.17), dbSNP rs145563362, ClinGen allele CA3115220.

ClinVar aggregate classification (germline): Benign/Likely benign. Review status: criteria provided, multiple submitters, no conflicts (2 of 4 stars). 6 submissions from 6 submitters: Benign (2); Likely benign (3). 1 of the submissions does not count toward it. Last evaluated 2025-11-01.

Conditions:
FGA-related disorder. Also called: FGA-related condition; FGA-related disorders.
Familial visceral amyloidosis, Ostertag type (AMYLD2). Also called: AMYLOIDOSIS VIII; Familial visceral amyloidosis; Amyloidosis, hepatic and systemic; AMYLOIDOSIS, HEREDITARY SYSTEMIC 2; Ostertag type amyloidosis; Hereditary Renal Amyloidosis. Identifiers: Orphanet 85450, MedGen C0268389, MONDO:0007099, OMIM 105200.
Familial dysfibrinogenemia. Also called: Dysfibrinogenemia, congenital. Identifiers: Orphanet 335, Orphanet 98881, MedGen C0272350, MONDO:0014452, OMIM 616004.
Congenital afibrinogenemia. Identifiers: Orphanet 335, Orphanet 98880, MedGen C2584774, MONDO:0008737, OMIM 202400.

Allele frequency attached by ClinVar (database versions not stated): gnomAD exomes 0.00024 and 0.00045; ExAC 0.00040; 1000 Genomes Project 30x 0.00125; 1000 Genomes Project 0.00140; gnomAD 0.00154 and 0.00167; TOPMed 0.00176; ESP Exome Variant Server 0.00185.
gnomAD v4.1: 625 of 1,614,232 alleles (0.039%); highest among the groups gnomAD compares: African/African-American, 0.5%; 2 homozygotes.

Submissions (6):

CeGaT Center for Human Genetics Tuebingen
Classification: Likely benign. Last evaluated: 2025-11-01. Review status: criteria provided, single submitter. Criteria: CeGaT Center For Human Genetics Tuebingen Variant Classification Criteria Version 2. Collection method: clinical testing. Allele origin: germline. Affected: yes. Observed: 2 variant alleles.
Comment: FGA: BP4, BP7

Laboratory of Genetics, Children's Clinical University Hospital Latvia
Classification: Benign. Last evaluated: 2025-02-16. Review status: criteria provided, single submitter. Criteria: ACMG Guidelines, 2015. Collection method: clinical testing. Allele origin: germline. Affected: yes.

Blueprint Genetics
Classification: Likely benign. Last evaluated: 2024-11-19. Review status: criteria provided, single submitter. Criteria: ACMG Guidelines, 2015. Collection method: clinical testing. Allele origin: germline.

Fulgent Genetics
Classification: Likely benign for Familial visceral amyloidosis, Ostertag type; Congenital afibrinogenemia; Familial dysfibrinogenemia. Last evaluated: 2021-10-04. Review status: criteria provided, single submitter. Criteria: ACMG Guidelines, 2015. Collection method: clinical testing. Allele origin: unknown.

Labcorp Genetics (formerly Invitae), Labcorp
Classification: Benign. Last evaluated: 2019-12-31. Review status: criteria provided, single submitter. Criteria: Invitae Variant Classification Sherloc (09022015). Collection method: clinical testing. Allele origin: germline.

PreventionGenetics, part of Exact Sciences
Classification: Likely benign for FGA-related condition. Last evaluated: 2019-08-06. Review status: no assertion criteria provided. Collection method: clinical testing. Allele origin: germline. Not counted in ClinVar's aggregate classification.
Comment: This variant is classified as likely benign based on ACMG/AMP sequence variant interpretation guidelines (Richards et al. 2015 PMID: 25741868, with internal and published modifications).